The following is an entry in ClinVar:

NM_001164277.2(SLC37A4):c.785+2T>G

Gene: SLC37A4 (solute carrier family 37 member 4; minus strand). Cytogenetic location: 11q23.3.
Variant type: single nucleotide variant.
Coding change: c.785+2T>G on transcript NM_001164277.2 (MANE Select); the canonical splice donor site of the intron after coding-DNA position 785, T replaced by G.
Molecular consequence: splice donor variant.
Genome position (GRCh38, 1-based): chr11:119,026,935, A>C on the plus strand (T>G on the coding strand, the complement: SLC37A4 is on the minus strand). VCF-style: chr11-119026935-A-C. GRCh37 (hg19) VCF-style: chr11-118897645-A-C.
Other names: c.566+2T>G (NM_001164279.2); c.785+2T>G (NM_001467.6, NM_001164278.2, NM_001164280.2).
Identifiers: ClinVar variation 655005 (VCV000655005.2), dbSNP rs1592111559, ClinGen allele CA382900768.

ClinVar aggregate classification (germline): Likely pathogenic (1 of 4 stars; one submission).

Conditions:
Glucose-6-phosphate transport defect (GSD1B). Also called: Glycogen Storage Disease Type Ib; GSD Ib. Identifiers: Orphanet 364, Orphanet 79259, MedGen C0268146, MONDO:0009288, OMIM 232220.

Submission:

Labcorp Genetics (formerly Invitae), Labcorp
Classification: Likely pathogenic for Glucose-6-phosphate transport defect. Last evaluated: 2019-06-11. Review status: criteria provided, single submitter. Criteria: Invitae Variant Classification Sherloc (09022015). Collection method: clinical testing. Allele origin: germline.
Comment: This sequence change affects donor splice site in intron 6 of the SLC37A4 gene. It is expected to disrupt RNA splicing and likely results in an absent or disrupted protein product. This variant is not present in population databases (ExAC no frequency). This variant has not been reported in the literature in individuals with SLC37A4-related disease. Donor and acceptor splice site variants typically lead to a loss of protein function (PMID: 16199547), and loss-of-function variants in SLC37A4 are known to be pathogenic (PMID: 9758626, 10940311). In summary, the currently available evidence indicates that the variant is pathogenic, but additional data are needed to prove that conclusively. Therefore, this variant has been classified as Likely Pathogenic.

Literature cited by the submitters: PubMed 10940311; PubMed 9758626.